The following is an entry in ClinVar:

NM_000082.4(ERCC8):c.647_651dup (p.Arg218Ter)

Gene: ERCC8 (ERCC excision repair 8, CSA ubiquitin ligase complex subunit; minus strand). Cytogenetic location: 5q12.1.
Variant type: Duplication.
Coding change: c.647_651dup on transcript NM_000082.4 (MANE Select); coding-DNA positions 647 to 651, 5 bases duplicated (TGAGA; older notation c.647_651dupTGAGA).
Protein change: p.Arg218Ter; replaces arginine 218 with a stop codon.
Molecular consequence: nonsense.
Genome position (GRCh38, 1-based): chr5:60,899,694-60,899,698, TCTCA duplicated on the plus strand (TGAGA on the coding strand, the reverse complement: ERCC8 is on the minus strand). VCF-style (leftmost placement, unchanged base first): chr5-60899693-T-TTCTCA. GRCh37 (hg19) VCF-style: chr5-60195520-T-TTCTCA.
Other names: c.647_651dupTGAGA (NM_000082.3); c.473_477dup, p.Arg160Ter (NM_001007233.3); c.188_192dup, p.Arg65Ter (NM_001290285.2); c.647_651dup5 (NM_000082.3); short protein forms R218*, R160*, R65*.
Identifiers: ClinVar variation 424544 (VCV000424544.3), dbSNP rs1554073177, ClinGen allele CA16618209.

ClinVar aggregate classification (germline): Pathogenic. Review status: criteria provided, single submitter (1 of 4 stars). 2 submissions from 2 submitters: Pathogenic (1). 1 of the submissions does not count toward it. Last evaluated 2017-03-21.

Conditions:
Cockayne syndrome type 1. Also called: Cockayne syndrome type I; Cockayne syndrome classical; Cockayne syndrome classic form. Identifiers: Orphanet 191, Orphanet 90321, MedGen C0751039, MONDO:0019569, OMIM 216400.

Submissions (2):

GeneDx
Classification: Pathogenic. Last evaluated: 2017-03-21. Review status: criteria provided, single submitter. Criteria: GeneDx Variant Classification (06012015). Collection method: clinical testing. Allele origin: germline. Affected: yes.
Comment: The c.647_651dupTGAGA variant in the ERCC8 gene has not been reported previously as a pathogenic variant nor as a benign variant, to our knowledge. The c.647_651dupTGAGA variant causes a frameshift starting with codon Arginine 218, and changes this amino acid to a premature Stop codon, denoted p.Arg218Ter. This variant is predicted to cause loss of normal protein function either through protein truncation or nonsense-mediated mRNA decay. The c.647_651dupTGAGA variant is not observed in large population cohorts (Lek et al., 2016; 1000 Genomes Consortium et al., 2015; Exome Variant Server). We interpret c.647_651dupTGAGA as a pathogenic variant.

Counsyl
Classification: Likely pathogenic for Cockayne syndrome type 1. Last evaluated: 2017-06-26. Review status: no assertion criteria provided. Collection method: clinical testing. Allele origin: unknown. Not counted in ClinVar's aggregate classification.